The following is an entry in ClinVar:

NC_000005.10:g.(?_80665133)_(80875872_?)del

Gene: MSH3 (mutS homolog 3; plus strand). Cytogenetic location: 5q14.1.
Variant type: Deletion.
Identifiers: ClinVar variation 831336 (VCV000831336.1).

ClinVar aggregate classification (germline): Uncertain significance (1 of 4 stars; one submission).

Submission:

Labcorp Genetics (formerly Invitae), Labcorp
Classification: Uncertain significance. Last evaluated: 2019-06-27. Review status: criteria provided, single submitter. Criteria: Invitae Variant Classification Sherloc (09022015). Collection method: clinical testing. Allele origin: germline.
Comment: This variant is a gross deletion of the genomic region encompassing exons 3-24 of the MSH3 gene. The 5' boundary is likely confined to intron 2. The 3' end of this event is unknown as it extends through the termination codon beyond the assayed region for this gene and may encompass additional genes. While this deletion is not anticipated to result in nonsense mediated decay, it is expected to create a truncated protein product or disrupt mRNA translation. This variant has not been reported in the literature in individuals with MSH3-related conditions. Experimental studies and prediction algorithms are not available or were not evaluated for this variant, and the functional significance of the affected amino acid(s) is currently unknown. In summary, the available evidence is currently insufficient to determine the role of this variant in disease. Therefore, it has been classified as a Variant of Uncertain Significance.